The following is an entry in ClinVar:

ClinVar aggregate classification (germline): Likely pathogenic (1 of 4 stars; one submission).

Submission:

Labcorp Genetics (formerly Invitae), Labcorp
Classification: Likely pathogenic. Last evaluated: 2018-12-10. Review status: criteria provided, single submitter. Criteria: Invitae Variant Classification Sherloc (09022015). Collection method: clinical testing. Allele origin: unknown.
Comment: In summary, the currently available evidence indicates that the variant is pathogenic, but additional data are needed to prove that conclusively. Therefore, this variant has been classified as Likely Pathogenic. Loss-of-function variants in ALDH3A2 are known to be pathogenic (PMID: 10577908, 10854114). This variant has not been reported in the literature in individuals with ALDH3A2-related conditions. This variant is a deletion of the genomic region encompassing part of exon 4 (c.675_681-212del) of the ALDH3A2 gene. It is expected to disrupt RNA splicing and likely results in an absent or disrupted protein product.

Literature cited by the submitters: PubMed 10577908; PubMed 10854114.

NC_000017.10:g.(?_19559882)_(19560846_?)del

Gene: ALDH3A2 (aldehyde dehydrogenase 3 family member A2; plus strand). Cytogenetic location: 17p11.2.
Variant type: Deletion.
Identifiers: ClinVar variation 3243116 (VCV003243116.1).